The following is an entry in ClinVar:

ClinVar aggregate classification (germline): Uncertain significance (1 of 4 stars; one submission).

Conditions:
Hereditary nonpolyposis colorectal neoplasms. Identifiers: MedGen C0009405, MeSH D003123.

Submission:

Labcorp Genetics (formerly Invitae), Labcorp
Classification: Uncertain significance for Hereditary nonpolyposis colorectal neoplasms. Last evaluated: 2025-01-06. Review status: criteria provided, single submitter. Criteria: Invitae Variant Classification Sherloc (09022015). Collection method: clinical testing. Allele origin: germline.
Comment: This sequence change replaces serine, which is neutral and polar, with glycine, which is neutral and non-polar, at codon 353 of the MSH6 protein (p.Ser353Gly). This variant is not present in population databases (gnomAD no frequency). This variant has not been reported in the literature in individuals affected with MSH6-related conditions. Invitae Evidence Modeling of protein sequence and biophysical properties (such as structural, functional, and spatial information, amino acid conservation, physicochemical variation, residue mobility, and thermodynamic stability) indicates that this missense variant is not expected to disrupt MSH6 protein function with a negative predictive value of 95%. In summary, the available evidence is currently insufficient to determine the role of this variant in disease. Therefore, it has been classified as a Variant of Uncertain Significance.

NM_000179.3(MSH6):c.1057A>G (p.Ser353Gly)

Gene: MSH6 (mutS homolog 6; plus strand). Cytogenetic location: 2p16.3.
Variant type: single nucleotide variant.
Coding change: c.1057A>G on transcript NM_000179.3 (MANE Select); coding-DNA position 1057, A replaced by G.
Protein change: p.Ser353Gly; replaces serine 353 with glycine.
Molecular consequence: missense variant. On other transcripts: non-coding transcript variant (4), intron variant (1).
Genome position (GRCh38, 1-based): chr2:47,799,040, A>G. VCF-style: chr2-47799040-A-G. GRCh37 (hg19) VCF-style: chr2-48026179-A-G.
Other names: c.760A>G, p.Ser254Gly (NM_001406830.1, NM_001406797.1, NM_001406801.1 and 10 more transcripts); c.628-1626A>G (NM_001407362.1); c.667A>G, p.Ser223Gly (NM_001281492.2); c.151A>G, p.Ser51Gly (NM_001281493.2, NM_001281494.2, NM_001406811.1 and 6 more transcripts); c.1153A>G, p.Ser385Gly (NM_001406795.1, NM_001406802.1); c.1057A>G, p.Ser353Gly (NM_001406796.1, NM_001406798.1, NM_001406800.1 and 4 more transcripts); c.532A>G, p.Ser178Gly (NM_001406799.1, NM_001406806.1, NM_001406807.1); c.979A>G, p.Ser327Gly (NM_001406804.1); and 2 more; short protein forms S327G, S353G, S51G, S254G, S297G, S355G, S178G, S223G.
Identifiers: ClinVar variation 3633918 (VCV003633918.2).